The following is an entry in ClinVar:

ClinVar aggregate classification (germline): Uncertain significance. Review status: criteria provided, multiple submitters, no conflicts (2 of 4 stars). 2 submissions from 2 submitters: Uncertain significance (2). Last evaluated 2025-06-13.

Allele frequency attached by ClinVar (database versions not stated): gnomAD 0.00001; gnomAD exomes 0.00001; TOPMed 0.00001.
gnomAD v4.1: 12 of 1,545,798 alleles (0.00078%); highest among the groups gnomAD compares: African/African-American, 0.0028%; no homozygotes.

Submissions (2):

Women's Health and Genetics/Laboratory Corporation of America, LabCorp
Classification: Uncertain significance. Last evaluated: 2025-06-13. Review status: criteria provided, single submitter. Criteria: LabCorp Variant Classification Summary - May 2015. Collection method: clinical testing. Allele origin: germline.
Comment: Variant summary: AEBP1 c.2213C>G (p.Ala738Gly) results in a non-conservative amino acid change in the encoded protein sequence. Algorithms developed to predict the effect of missense changes on protein structure and function are either unavailable or do not agree on the potential impact of this missense change. The variant was absent in 202764 control chromosomes (gnomAD). The available data on variant occurrences in the general population are insufficient to allow any conclusion about variant significance. To our knowledge, no occurrence of c.2213C>G in individuals affected with Ehlers-Danlos syndrome, classic-like, 2 and no experimental evidence demonstrating its impact on protein function have been reported. ClinVar contains an entry for this variant (Variation ID: 1970160). Based on the evidence outlined above, the variant was classified as uncertain significance.

Labcorp Genetics (formerly Invitae), Labcorp
Classification: Uncertain significance. Last evaluated: 2024-01-31. Review status: criteria provided, single submitter. Criteria: Invitae Variant Classification Sherloc (09022015). Collection method: clinical testing. Allele origin: germline.
Comment: This sequence change replaces alanine, which is neutral and non-polar, with glycine, which is neutral and non-polar, at codon 738 of the AEBP1 protein (p.Ala738Gly). This variant is not present in population databases (gnomAD no frequency). This variant has not been reported in the literature in individuals affected with AEBP1-related conditions. ClinVar contains an entry for this variant (Variation ID: 1970160). An algorithm developed to predict the effect of missense changes on protein structure and function (PolyPhen-2) suggests that this variant¬†is likely to be tolerated. In summary, the available evidence is currently insufficient to determine the role of this variant in disease. Therefore, it has been classified as a Variant of Uncertain Significance.

NM_001129.5(AEBP1):c.2213C>G (p.Ala738Gly)

Gene: AEBP1 (AE binding protein 1; plus strand). Cytogenetic location: 7p13.
Variant type: single nucleotide variant.
Coding change: c.2213C>G on transcript NM_001129.5 (MANE Select); coding-DNA position 2213, C replaced by G.
Protein change: p.Ala738Gly; replaces alanine 738 with glycine.
Molecular consequence: missense variant.
Genome position (GRCh38, 1-based): chr7:44,112,317, C>G. VCF-style: chr7-44112317-C-G. GRCh37 (hg19) VCF-style: chr7-44151916-C-G.
Other names: short protein forms A738G.
Identifiers: ClinVar variation 1970160 (VCV001970160.5), dbSNP rs1360578790, ClinGen allele CA367369222.